The following is an entry in ClinVar:

ClinVar aggregate classification (germline): Likely pathogenic (1 of 4 stars; one submission).

Conditions:
Dilated cardiomyopathy 1G (CMD1G). Identifiers: Orphanet 154, MedGen C1858763, MONDO:0011400, OMIM 604145.
Autosomal recessive limb-girdle muscular dystrophy type 2J (LGMDR10). Also called: Limb-girdle muscular dystrophy, type 2J; MUSCULAR DYSTROPHY, LIMB-GIRDLE, AUTOSOMAL RECESSIVE 10. Identifiers: Orphanet 140922, MedGen C1837342, MONDO:0012127, OMIM 608807.

Submission:

Labcorp Genetics (formerly Invitae), Labcorp
Classification: Likely pathogenic for Dilated cardiomyopathy 1G; Autosomal recessive limb-girdle muscular dystrophy type 2J. Last evaluated: 2022-08-23. Review status: criteria provided, single submitter. Criteria: Invitae Variant Classification Sherloc (09022015). Collection method: clinical testing. Allele origin: germline.
Comment: In summary, the currently available evidence indicates that the variant is pathogenic, but additional data are needed to prove that conclusively. Therefore, this variant has been classified as Likely Pathogenic. This variant is located in the A band of TTN (PMID: 25589632). Truncating variants in this region are significantly overrepresented in patients affected with dilated cardiomyopathy (PMID: 25589632). Truncating variants in this region have also been reported in individuals affected with autosomal recessive centronuclear myopathy (PMID: 23975875). This variant has not been reported in the literature in individuals affected with TTN-related conditions. This variant is not present in population databases (gnomAD no frequency). This sequence change creates a premature translational stop signal (p.Leu25387Trpfs*3) in the TTN gene. While this is not anticipated to result in nonsense mediated decay, it is expected to create a truncated TTN protein.

Literature cited by the submitters: PubMed 25589632; PubMed 23975875.

NM_001267550.2(TTN):c.76155_76158dup (p.Leu25387fs)

Genes: TTN (titin; minus strand), TTN-AS1 (TTN antisense RNA 1; plus strand). Cytogenetic location: 2q31.2.
Variant type: Duplication.
Coding change: c.76155_76158dup on transcript NM_001267550.2 (MANE Select); coding-DNA positions 76155 to 76158, 4 bases duplicated (TGGA; older notation c.76155_76158dupTGGA).
Protein change: p.Leu25387fs; shifts the reading frame from leucine 25387.
Molecular consequence: frameshift variant.
Genome position (GRCh38, 1-based): chr2:178,569,974-178,569,977, TCCA duplicated on the plus strand (TGGA on the coding strand, the reverse complement: TTN is on the minus strand). VCF-style (leftmost placement, unchanged base first): chr2-178569973-G-GTCCA. GRCh37 (hg19) VCF-style: chr2-179434700-G-GTCCA.
Other names: c.71232_71235dup, p.Leu23746fs (NM_001256850.1); c.48960_48963dup, p.Leu16322fs (NM_003319.4); c.68451_68454dup, p.Leu22819fs (NM_133378.4); c.49335_49338dup, p.Leu16447fs (NM_133432.3); c.49536_49539dup, p.Leu16514fs (NM_133437.4); short protein forms L16322fs, L25387fs, L16447fs, L22819fs, L23746fs, L16514fs.
Identifiers: ClinVar variation 2076090 (VCV002076090.4), dbSNP rs2468429736, ClinGen allele CA2580064573.
Genomic context (GRCh38, chr2:178,569,973, plus strand): 5'-CTGGTTTATAAATAGGATCACAAGCCTTTTGGTAAGCAGAAGGAGGGCTTGGTTCACTAA[G>GTCCA]TCCAGCAGCATTCTCAGCAGAAACTCTGAACTCATAATCGTGATTTTCTATGAGTCCAGT-3'